The following is an entry in ClinVar:

ClinVar aggregate classification (germline): Pathogenic (1 of 4 stars; one submission).

Conditions:
Bardet-Biedl syndrome (BBS). Identifiers: Orphanet 110, MedGen C0752166, MONDO:0015229.

Allele frequency attached by ClinVar (database versions not stated): gnomAD exomes below 0.00001 and 0.00001; TOPMed below 0.00001; ExAC 0.00001.

Submission:

Labcorp Genetics (formerly Invitae), Labcorp
Classification: Pathogenic for Bardet-Biedl syndrome. Last evaluated: 2023-04-23. Review status: criteria provided, single submitter. Criteria: Invitae Variant Classification Sherloc (09022015). Collection method: clinical testing. Allele origin: germline.
Comment: ClinVar contains an entry for this variant (Variation ID: 1073319). This variant has not been reported in the literature in individuals affected with BBS12-related conditions. This variant is present in population databases (rs764074545, gnomAD 0.0009%). This sequence change creates a premature translational stop signal (p.Asn605Hisfs*9) in the BBS12 gene. While this is not anticipated to result in nonsense mediated decay, it is expected to disrupt the last 106 amino acid(s) of the BBS12 protein. This variant disrupts a region of the BBS12 protein in which other variant(s) (p.Asp687Valfs*3) have been determined to be pathogenic (Invitae). This suggests that this is a clinically significant region of the protein, and that variants that disrupt it are likely to be disease-causing. For these reasons, this variant has been classified as Pathogenic.

NM_152618.3(BBS12):c.1813_1814del (p.Asn605fs)

Gene: BBS12 (Bardet-Biedl syndrome 12; plus strand). Cytogenetic location: 4q27.
Variant type: Deletion.
Coding change: c.1813_1814del on transcript NM_152618.3 (MANE Select); coding-DNA positions 1813 to 1814, 2 bases deleted (AA; older notation c.1813_1814delAA).
Protein change: p.Asn605fs; shifts the reading frame from asparagine 605.
Molecular consequence: frameshift variant.
Genome position (GRCh38, 1-based): chr4:122,743,705-122,743,706, AA deleted. VCF-style (leftmost placement, unchanged base first): chr4-122743704-TAA-T. GRCh37 (hg19) VCF-style: chr4-123664859-TAA-T.
Other names: c.1813_1814del, p.Asn605fs (NM_001178007.2); short protein forms N605fs.
Identifiers: ClinVar variation 1073319 (VCV001073319.7), dbSNP rs764074545, ClinGen allele CA3069509.